The following is an entry in ClinVar:

ClinVar aggregate classification (germline): Uncertain significance (1 of 4 stars; one submission).

Submission:

Labcorp Genetics (formerly Invitae), Labcorp
Classification: Uncertain significance. Last evaluated: 2020-11-27. Review status: criteria provided, single submitter. Criteria: Invitae Variant Classification Sherloc (09022015). Collection method: clinical testing. Allele origin: germline.
Comment: In summary, the available evidence is currently insufficient to determine the role of this variant in disease. Therefore, it has been classified as a Variant of Uncertain Significance. Algorithms developed to predict the effect of sequence changes on RNA splicing suggest that this variant may disrupt the consensus splice site, but this prediction has not been confirmed by published transcriptional studies. This variant has not been reported in the literature in individuals with SZT2-related conditions. This variant is not present in population databases (ExAC no frequency). This sequence change falls in intron 18 of the SZT2 gene. It does not directly change the encoded amino acid sequence of the SZT2 protein.

NM_001365999.1(SZT2):c.2646-7C>A

Gene: SZT2 (SZT2 subunit of KICSTOR complex; plus strand). Cytogenetic location: 1p34.2.
Variant type: single nucleotide variant.
Coding change: c.2646-7C>A on transcript NM_001365999.1 (MANE Select); 7 bases into the intron before coding-DNA position 2646, C replaced by A.
Molecular consequence: intron variant.
Genome position (GRCh38, 1-based): chr1:43,425,467, C>A. VCF-style: chr1-43425467-C-A. GRCh37 (hg19) VCF-style: chr1-43891138-C-A.
Other names: c.2646-7C>A (NM_015284.4).
Identifiers: ClinVar variation 1489450 (VCV001489450.8), dbSNP rs2153933058, ClinGen allele CA2573132463.
Genomic context (GRCh38, chr1:43,425,467, plus strand): 5'-TTCCCTCCATGAGGTTCACTCCCTGCCATGAGGCTGTGCATTGGACTCAGAGCCCTTCCT[C>A]CTTTAGCTTCTCGACAGATGATGACAATGATGTGGAAGTGGAGGCCCTGGAGGGAGACTC-3'